The following is an entry in ClinVar:

ClinVar aggregate classification (germline): Uncertain significance (1 of 4 stars; one submission).

Conditions:
Hereditary cancer-predisposing syndrome. Also called: Tumor predisposition; Hereditary neoplastic syndrome; Hereditary Cancer Syndrome; Neoplastic Syndromes, Hereditary. Identifiers: Orphanet 140162, MedGen C0027672, MeSH D009386, MONDO:0015356.

Submission:

Ambry Genetics
Classification: Uncertain significance for Hereditary cancer-predisposing syndrome. Last evaluated: 2023-11-06. Review status: criteria provided, single submitter. Criteria: Ambry Variant Classification Scheme 2023. Collection method: clinical testing. Allele origin: germline.
Comment: The p.K1267E variant (also known as c.3799A>G), located in coding exon 25 of the ALK gene, results from an A to G substitution at nucleotide position 3799. The lysine at codon 1267 is replaced by glutamic acid, an amino acid with similar properties. This amino acid position is conserved. In addition, this alteration is predicted to be deleterious by in silico analysis. Since supporting evidence is limited at this time, the clinical significance of this alteration remains unclear.

NM_004304.5(ALK):c.3799A>G (p.Lys1267Glu)

Gene: ALK (ALK receptor tyrosine kinase; minus strand). Cytogenetic location: 2p23.2.
Variant type: single nucleotide variant.
Coding change: c.3799A>G on transcript NM_004304.5 (MANE Select); coding-DNA position 3799, A replaced by G.
Protein change: p.Lys1267Glu; replaces lysine 1267 with glutamic acid.
Molecular consequence: missense variant.
Genome position (GRCh38, 1-based): chr2:29,209,823, T>C on the plus strand (A>G on the coding strand, the complement: ALK is on the minus strand). VCF-style: chr2-29209823-T-C. GRCh37 (hg19) VCF-style: chr2-29432689-T-C.
Other names: c.595A>G, p.Lys199Glu (NM_001353765.2); short protein forms K1267E, K199E.
Identifiers: ClinVar variation 3223876 (VCV003223876.1), dbSNP rs2148155172, ClinGen allele CA346469663.